The following is an entry in ClinVar:

ClinVar aggregate classification (germline): Uncertain significance (1 of 4 stars; one submission).

Submission:

GeneDx
Classification: Uncertain significance. Last evaluated: 2024-04-26. Review status: criteria provided, single submitter. Criteria: GeneDx Variant Classification Process June 2021. Collection method: clinical testing. Allele origin: germline. Affected: yes.
Comment: Not observed at significant frequency in large population cohorts (gnomAD); In silico analysis indicates that this missense variant does not alter protein structure/function; Has not been previously published as pathogenic or benign to our knowledge

NC_000023.11:g.119871450C>T

Genes: NDUFA1 (NADH:ubiquinone oxidoreductase subunit A1; plus strand), RNF113A (ring finger protein 113A; minus strand), LOC130068621 (ATAC-STARR-seq lymphoblastoid active region 29902; plus strand). Cytogenetic location: Xq24.
Variant type: single nucleotide variant.
Molecular consequence: missense variant (on NM_006978.3).
Genome position: GRCh38 VCF-style: chrX-119871450-C-T. GRCh37 (hg19) VCF-style: chrX-119005413-C-T.
Other names: c.164G>A, p.Arg55Gln (NM_006978.3); short protein forms R55Q.
Identifiers: ClinVar variation 3372911 (VCV003372911.1).